The following is an entry in ClinVar:

NM_000093.5(COL5A1):c.16C>T (p.Arg6Cys)

Gene: COL5A1 (collagen type V alpha 1 chain; plus strand). Cytogenetic location: 9q34.3.
Variant type: single nucleotide variant.
Coding change: c.16C>T on transcript NM_000093.5 (MANE Select); coding-DNA position 16, C replaced by T.
Protein change: p.Arg6Cys; replaces arginine 6 with cysteine.
Molecular consequence: missense variant.
Genome position (GRCh38, 1-based): chr9:134,642,203, C>T. VCF-style: chr9-134642203-C-T. GRCh37 (hg19) VCF-style: chr9-137534049-C-T.
Other names: c.16C>T, p.Arg6Cys (NM_001278074.1); short protein forms R6C.
Identifiers: ClinVar variation 2038879 (VCV002038879.4), dbSNP rs1460929040, ClinGen allele CA375443787.
Genomic context (GRCh38, chr9:134,642,203, plus strand): 5'-GCGCCTCCGAGCGCCCCTGTGCGCCCCGGCCCGCGCCCCGCCGGCATGGACGTCCATACC[C>T]GCTGGAAAGCGCGCAGCGCGCTCCGCCCGGGCGCCCCGCTGCTGCCCCCGCTGCTGCTGC-3'
Protein context (NP_000084.3, residues 1-16): MDVHT[Arg6Cys]WKARSALRPG

ClinVar aggregate classification (germline): Uncertain significance (1 of 4 stars; one submission).

Conditions:
Ehlers-Danlos syndrome, classic type, 1 (EDSCL1). Also called: EHLERS-DANLOS SYNDROME, GRAVIS TYPE; EHLERS-DANLOS SYNDROME, SEVERE CLASSIC TYPE; Ehlers-Danlos syndrome, type 1; EDS I; Ehlers-Danlos Syndrome, Classic Type, COL5A1-Related. Identifiers: MedGen C0268335, MONDO:0019567, OMIM 130000.

Submission:

Labcorp Genetics (formerly Invitae), Labcorp
Classification: Uncertain significance for Ehlers-Danlos syndrome, classic type, 1. Last evaluated: 2023-07-12. Review status: criteria provided, single submitter. Criteria: Invitae Variant Classification Sherloc (09022015). Collection method: clinical testing. Allele origin: germline.
Comment: This variant has not been reported in the literature in individuals affected with COL5A1-related conditions. This variant is not present in population databases (gnomAD no frequency). This sequence change replaces arginine, which is basic and polar, with cysteine, which is neutral and slightly polar, at codon 6 of the COL5A1 protein (p.Arg6Cys). In summary, the available evidence is currently insufficient to determine the role of this variant in disease. Therefore, it has been classified as a Variant of Uncertain Significance. Advanced modeling of protein sequence and biophysical properties (such as structural, functional, and spatial information, amino acid conservation, physicochemical variation, residue mobility, and thermodynamic stability) performed at Invitae indicates that this missense variant is not expected to disrupt COL5A1 protein function. ClinVar contains an entry for this variant (Variation ID: 2038879).